The following is an entry in ClinVar:

NM_000059.4(BRCA2):c.6196G>A (p.Val2066Ile)

Gene: BRCA2 (BRCA2 DNA repair associated; plus strand). Cytogenetic location: 13q13.1.
Variant type: single nucleotide variant.
Coding change: c.6196G>A on transcript NM_000059.4 (MANE Select); coding-DNA position 6196, G replaced by A.
Protein change: p.Val2066Ile; replaces valine 2066 with isoleucine.
Molecular consequence: missense variant.
Genome position (GRCh38, 1-based): chr13:32,340,551, G>A. VCF-style: chr13-32340551-G-A. GRCh37 (hg19) VCF-style: chr13-32914688-G-A.
Other names: 6424G>A; short protein forms V2066I.
Identifiers: ClinVar variation 38024 (VCV000038024.40), dbSNP rs397507365, ClinGen allele CA023729.

ClinVar aggregate classification (germline): Conflicting classifications of pathogenicity. Review status: criteria provided, conflicting classifications (1 of 4 stars). 13 submissions from 13 submitters: Uncertain significance (7); Likely benign (4). 2 of the submissions do not count toward it. Last evaluated 2026-04-07.

Conditions:
Pancreatic cancer, susceptibility to, 2. Identifiers: Orphanet 1333, MedGen C3150546, MONDO:0013235, OMIM 613347.
Glioma susceptibility 3 (GLM3). Also called: Glioblastoma 3. Identifiers: Orphanet 182067, Orphanet 360, MedGen C2751641, MONDO:0013093, OMIM 613029.
Familial prostate cancer. Also called: Hereditary Prostate Cancer. Identifiers: MedGen C2931456, MONDO:0700275, OMIM 176807.
Breast-ovarian cancer, familial, susceptibility to, 2 (BROVCA2). Also called: BRCA2 Hereditary Breast and Ovarian Cancer. Identifiers: Orphanet 145, MedGen C2675520, MONDO:0012933, OMIM 612555. Disease mechanism: loss of function.
Fanconi anemia complementation group D1. Also called: BRCA2-Related Fanconi Anemia. Identifiers: Orphanet 319462, MedGen C1838457, MONDO:0011584, OMIM 605724.
Medulloblastoma (MDB). Also called: Medulloblastoma, somatic; MEDULLOBLASTOMA PREDISPOSITION SYNDROME. Identifiers: Orphanet 616, MedGen C0025149, MeSH D008527, MONDO:0007959, OMIM 155255, HP:0002885.
Wilms tumor 1 (WT1). Also called: Wilms tumor, somatic. Identifiers: Orphanet 654, MedGen CN033288, MONDO:0008679, OMIM 194070.
Familial cancer of breast. Also called: BREAST CANCER, FAMILIAL; hereditary breast carcinoma; Hereditary breast cancer. Identifiers: Orphanet 227535, MedGen C0346153, MONDO:0016419, OMIM 114480. Disease mechanism: loss of function.
Hereditary cancer-predisposing syndrome. Also called: Neoplastic Syndromes, Hereditary; Tumor predisposition; Hereditary Cancer Syndrome; Hereditary neoplastic syndrome. Identifiers: Orphanet 140162, MedGen C0027672, MeSH D009386, MONDO:0015356.
Hereditary breast ovarian cancer syndrome. Also called: Breast and ovarian cancer; Hereditary breast and ovarian cancer; Hereditary breast and ovarian cancer syndrome (HBOC); Hereditary breast and ovarian cancer syndrome; BRCA1- and BRCA2-Associated Hereditary Breast and Ovarian Cancer; Hereditary breast and/or ovarian cancer syndrome. Identifiers: Orphanet 145, MedGen C0677776, MeSH D061325, MONDO:0003582. Disease mechanism: loss of function.

Allele frequency attached by ClinVar (database versions not stated): gnomAD exomes below 0.00001; gnomAD 0.00003 and 0.00004; TOPMed 0.00004.

Submissions (13):

Women's Health and Genetics/Laboratory Corporation of America, LabCorp
Classification: Uncertain significance. Last evaluated: 2026-04-07. Review status: criteria provided, single submitter. Criteria: LabCorp Variant Classification Summary - May 2015. Collection method: clinical testing. Allele origin: germline.
Comment: Variant summary: BRCA2 c.6196G>A (p.Val2066Ile) results in a conservative amino acid change located in the BRCA2 repeat region (IPR002093) of the encoded protein sequence. Algorithms developed to predict the effect of missense changes on protein structure and function are either unavailable or do not agree on the potential impact of this missense change. The variant was absent in 250212 control chromosomes. The available data on variant occurrences in the general population are insufficient to allow any conclusion about variant significance. c.6196G>A has been reported in an individual with prostate cancer, however without strong evidence for causality (e.g., Giri_2022), as well as detected in a tumor sample from an individual with cervical squamous cell carcinoma, but without corresponding testing of germline DNA and without causative evidence related to the disease (e.g., Muller_2015). These report(s) do not provide unequivocal conclusions about association of the variant with Hereditary Breast And Ovarian Cancer Syndrome. Co-occurrences with other pathogenic variant(s) have been reported (BRCA2 c.7558C>T, p.Arg2520X), providing supporting evidence for a benign role. To our knowledge, no experimental evidence demonstrating an impact on protein function has been reported. The following publications have been ascertained in the context of this evaluation (PMID: 31294896, 35666082, 26155992, 31112341, 31131967). ClinVar contains an entry for this variant (Variation ID: 38024). Based on the evidence outlined above, the variant was classified as VUS-possibly benign.

Labcorp Genetics (formerly Invitae), Labcorp
Classification: Likely benign for Hereditary breast ovarian cancer syndrome. Last evaluated: 2026-02-01. Review status: criteria provided, single submitter. Criteria: Invitae Variant Classification Sherloc (09022015). Collection method: clinical testing. Allele origin: germline.

Color Diagnostics, LLC DBA Color Health
Classification: Likely benign for Hereditary cancer-predisposing syndrome. Last evaluated: 2025-04-14. Review status: criteria provided, single submitter. Criteria: ACMG Guidelines, 2015. Collection method: clinical testing. Allele origin: germline.

Quest Diagnostics Nichols Institute San Juan Capistrano
Classification: Uncertain significance. Last evaluated: 2025-03-06. Review status: criteria provided, single submitter. Criteria: Quest Diagnostics criteria. Collection method: clinical testing. Allele origin: unknown.
Comment: The BRCA2 c.6196G>A (p.Val2066Ile) variant has been reported in the published literature in individuals with prostate cancer (PMID: 35666082 (2022)) and an unspecified cancer (PMID: 31853058 (2020)). This variant was reported as being likely benign in a multifactorial likelihood study (PMID: 31131967 (2019)) and has also been reported to be located in a region of the BRCA2 gene that is tolerant to missense sequence changes (PMID: 31911673 (2020)). The frequency of this variant in the general population (Genome Aggregation Database) is uninformative in the assessment of its pathogenicity. Analysis of this variant using bioinformatics tools for the prediction of the effect of amino acid changes on protein structure and function yielded conflicting predictions that this variant is benign or damaging. Based on the available information, we are unable to determine the clinical significance of this variant.

Fulgent Genetics
Classification: Uncertain significance for Familial cancer of breast; Medulloblastoma; Familial prostate cancer; Wilms tumor 1; Fanconi anemia complementation group D1; Breast-ovarian cancer, familial, susceptibility to, 2; Glioma susceptibility 3; Pancreatic cancer, susceptibility to, 2. Last evaluated: 2024-02-15. Review status: criteria provided, single submitter. Criteria: ACMG Guidelines, 2015. Collection method: clinical testing. Allele origin: germline.

Ambry Genetics
Classification: Uncertain significance for Hereditary cancer-predisposing syndrome. Last evaluated: 2024-01-24. Review status: criteria provided, single submitter. Criteria: Ambry Variant Classification Scheme 2023. Collection method: clinical testing. Allele origin: germline.
Comment: The p.V2066I variant (also known as c.6196G>A), located in coding exon 10 of the BRCA2 gene, results from a G to A substitution at nucleotide position 6196. The valine at codon 2066 is replaced by isoleucine, an amino acid with highly similar properties. This alteration was identified amongst a cohort of 427 patients undergoing genetic testing due to a diagnosis of prostate cancer (Giri VN et al. JCO Precis Oncol, 2022 May;6:e2200234). This alteration was classified as likely benign in a multifactorial model of variant interpretation that incorporates co-segregation, family history, co-occurrence and tumor pathology and case-control data (Parsons MT et al. Hum Mutat, 2019 09;40:1557-1578). This amino acid position is highly conserved in available vertebrate species. In addition, the in silico prediction for this alteration is inconclusive. Based on the available evidence, the clinical significance of this alteration remains unclear.

All of Us Research Program, National Institutes of Health
Classification: Uncertain significance for Breast-ovarian cancer, familial, susceptibility to, 2. Last evaluated: 2023-12-07. Review status: criteria provided, single submitter. Criteria: ACMG Guidelines, 2015. Collection method: clinical testing. Allele origin: germline. Inheritance: Autosomal dominant inheritance. Observed: 5 variant alleles, 5 heterozygotes.
Comment: This missense variant replaces valine with isoleucine at codon 2066 of the BRCA2 protein. Computational prediction suggests that this variant may not impact protein structure and function (internally defined REVEL score threshold <= 0.5, PMID: 27666373). To our knowledge, functional studies have not been reported for this variant. This variant has been reported in an individual affected with prostate cancer (PMID: 35666082). A multifactorial analysis using co-occurrence with another pathogenic variant and family history likelihood ratios has determined that this variant is unlikely to be disease-causing (PMID: 31131967). This variant has not been identified in the general population by the Genome Aggregation Database (gnomAD). The available evidence is insufficient to determine the role of this variant in disease conclusively. Therefore, this variant is classified as a Variant of Uncertain Significance.

This study involves interpretation of variants in research participants for the purpose of population health screening. Participant phenotype was not available at the time of variant classification. Additional details can be found in publication PMID: 35346344, PMCID: PMC8962531

University of Washington Department of Laboratory Medicine, University of Washington
Classification: Likely benign for Hereditary cancer-predisposing syndrome. Last evaluated: 2023-03-23. Review status: criteria provided, single submitter. Criteria: Dines et al. (Genet Med. 2020). Collection method: curation. Allele origin: germline.
Comment: Missense variant in a coldspot region where missense variants are very unlikely to be pathogenic (PMID:31911673).

BRCA2 exon 11 coldspot. Reclassification based on statistical prior probability.

Sema4
Classification: Uncertain significance for Hereditary cancer-predisposing syndrome. Last evaluated: 2021-05-20. Review status: criteria provided, single submitter. Criteria: Sema4 Curation Guidelines. Collection method: curation. Allele origin: germline.
Comment: The BRCA2 c.6196G>A (p.V2066I) variant has been reported as a somatic variant in a cervical tumor sample (PMID: 26155992). This variant was not observed the large and broad cohorts of the Genome Aggregation Database (PMID: 32461654). This variant has been reported in ClinVar (Variation ID: 38024). In silico tools suggest the impact of the variant on protein function is inconclusive, though these predictions have not been confirmed by functional studies. The overall evidence is insufficient to meet ACMG/AMP criteria for classifying it as benign or pathogenic. In summary, the clinical significance of this variant is currently uncertain.

GeneDx
Classification: Likely benign. Last evaluated: 2019-11-05. Review status: criteria provided, single submitter. Criteria: GeneDx Variant Classification Process June 2021. Collection method: clinical testing. Allele origin: germline. Affected: yes.
Comment: Not observed in large population cohorts (Lek et al., 2016); In silico analysis, which includes protein predictors and evolutionary conservation, supports that this variant does not alter protein structure/function; This variant is associated with the following publications: (PMID: 26155992, 31131967)

Molecular Genetics Laboratory, University of Michigan
Classification: Uncertain significance for Breast-ovarian cancer, familial, susceptibility to, 2. Last evaluated: 2016-04-21. Review status: criteria provided, single submitter. Criteria: ACMG Guidelines, 2015. Collection method: clinical testing. Allele origin: germline. Affected: yes.

Counsyl
Classification: Uncertain significance for Breast-ovarian cancer, familial, susceptibility to, 2. Last evaluated: 2017-12-05. Review status: no assertion criteria provided. Collection method: clinical testing. Allele origin: unknown. Not counted in ClinVar's aggregate classification.

Sharing Clinical Reports Project (SCRP)
Classification: Uncertain significance for Breast-ovarian cancer, familial 2. Last evaluated: 2012-01-09. Review status: no assertion criteria provided. Collection method: clinical testing. Allele origin: germline. Not counted in ClinVar's aggregate classification.

Literature cited by the submitters: PubMed 26155992 (cited by 3 submitters); PubMed 31131967 (cited by 4 submitters); PubMed 31112341 (cited by Women's Health and Genetics/Laboratory Corporation of America, LabCorp); PubMed 31294896 (cited by Women's Health and Genetics/Laboratory Corporation of America, LabCorp); PubMed 35666082 (cited by 4 submitters); PubMed 31911673 (cited by Quest Diagnostics Nichols Institute San Juan Capistrano); PubMed 31853058 (cited by Quest Diagnostics Nichols Institute San Juan Capistrano).